The following is an entry in ClinVar:

ClinVar aggregate classification (germline): Uncertain significance (1 of 4 stars; one submission).

Conditions:
Fanconi anemia complementation group E (FANCE). Also called: FANCE-Related Fanconi Anemia. Identifiers: Orphanet 84, MedGen C3160739, MONDO:0010953, OMIM 600901.

Allele frequency attached by ClinVar (database versions not stated): TOPMed below 0.00001; gnomAD 0.00001; ExAC 0.00002; 1000 Genomes Project 30x 0.00016; 1000 Genomes Project 0.00020.
gnomAD v4.1: 23 of 1,613,922 alleles (0.0014%); highest among the groups gnomAD compares: East Asian, 0.0089%; no homozygotes.

Submission:

Labcorp Genetics (formerly Invitae), Labcorp
Classification: Uncertain significance for Fanconi anemia complementation group E. Last evaluated: 2025-06-17. Review status: criteria provided, single submitter. Criteria: Invitae Variant Classification Sherloc (09022015). Collection method: clinical testing. Allele origin: germline.
Comment: This sequence change replaces arginine, which is basic and polar, with glutamine, which is neutral and polar, at codon 460 of the FANCE protein (p.Arg460Gln). This variant is present in population databases (rs541746126, gnomAD 0.007%). This missense change has been observed in individual(s) with pituitary stalk interruption syndrome (PMID: 33270637). ClinVar contains an entry for this variant (Variation ID: 2859785). Invitae Evidence Modeling of protein sequence and biophysical properties (such as structural, functional, and spatial information, amino acid conservation, physicochemical variation, residue mobility, and thermodynamic stability) indicates that this missense variant is not expected to disrupt FANCE protein function with a negative predictive value of 80%. In summary, the available evidence is currently insufficient to determine the role of this variant in disease. Therefore, it has been classified as a Variant of Uncertain Significance.

Literature cited by the submitters: PubMed 33270637.

NM_021922.3(FANCE):c.1379G>A (p.Arg460Gln)

Gene: FANCE (FA complementation group E; plus strand). Cytogenetic location: 6p21.31.
Variant type: single nucleotide variant.
Coding change: c.1379G>A on transcript NM_021922.3 (MANE Select); coding-DNA position 1379, G replaced by A.
Protein change: p.Arg460Gln; replaces arginine 460 with glutamine.
Molecular consequence: missense variant. On other transcripts: intron variant (1).
Genome position (GRCh38, 1-based): chr6:35,460,614, G>A. VCF-style: chr6-35460614-G-A. GRCh37 (hg19) VCF-style: chr6-35428391-G-A.
Other names: c.1316+854G>A (NM_001410876.1); short protein forms R460Q.
Identifiers: ClinVar variation 2859785 (VCV002859785.3), dbSNP rs541746126, ClinGen allele CA3771689.